The following is an entry in ClinVar:

NM_000038.6(APC):c.1627-15T>C

Gene: APC (APC regulator of Wnt signaling pathway; plus strand). Cytogenetic location: 5q22.2.
Variant type: single nucleotide variant.
Coding change: c.1627-15T>C on transcript NM_000038.6 (MANE Select); 15 bases into the intron before coding-DNA position 1627, T replaced by C.
Molecular consequence: intron variant.
Genome position (GRCh38, 1-based): chr5:112,828,841, T>C. VCF-style: chr5-112828841-T-C. GRCh37 (hg19) VCF-style: chr5-112164538-T-C.
Other names: c.778-15T>C (NM_001407470.1, NM_001354906.2); c.475-15T>C (NM_001407472.1, NM_001407471.1); c.1681-15T>C (NM_001407447.1, NM_001407448.1, NM_001407449.1 and 1 more transcripts); c.1627-15T>C (NM_001354895.2, NM_001407450.1, NM_001127510.3); c.1378-15T>C (NM_001407456.1, NM_001407457.1, NM_001407455.1 and 1 more transcripts); c.1324-15T>C (NM_001407460.1, NM_001407458.1, NM_001407459.1 and 1 more transcripts); c.1597-15T>C (NM_001407452.1); c.1240-15T>C (NM_001407469.1, NM_001407467.1); and 11 more.
Identifiers: ClinVar variation 2833254 (VCV002833254.4), dbSNP rs2533239608, ClinGen allele CA2578379858.

ClinVar aggregate classification (germline): Likely benign. Review status: criteria provided, multiple submitters, no conflicts (2 of 4 stars). 2 submissions from 2 submitters: Likely benign (2). Last evaluated 2024-03-06.

Conditions:
Familial adenomatous polyposis 1 (FAP1). Also called: FAMILIAL ADENOMATOUS POLYPOSIS 1, ATTENUATED; POLYPOSIS, ADENOMATOUS INTESTINAL. Identifiers: MedGen C2713442, MONDO:0021056, OMIM 175100. Disease mechanism: loss of function.

Submissions (2):

Myriad Genetics, Inc.
Classification: Likely benign for Familial adenomatous polyposis 1. Last evaluated: 2024-03-06. Review status: criteria provided, single submitter. Criteria: Myriad Autosomal Dominant, Autosomal Recessive and X-Linked Classification Criteria (2023). Collection method: clinical testing. Allele origin: unknown.
Comment: This variant is considered likely benign. This variant is intronic and is not expected to impact mRNA splicing.

Labcorp Genetics (formerly Invitae), Labcorp
Classification: Likely benign for Familial adenomatous polyposis 1. Last evaluated: 2023-01-31. Review status: criteria provided, single submitter. Criteria: Invitae Variant Classification Sherloc (09022015). Collection method: clinical testing. Allele origin: germline.